The following is an entry in ClinVar:

NM_002471.4(MYH6):c.3289G>A (p.Glu1097Lys)

Gene: MYH6 (myosin heavy chain 6; minus strand). Cytogenetic location: 14q11.2.
Variant type: single nucleotide variant.
Coding change: c.3289G>A on transcript NM_002471.4 (MANE Select); coding-DNA position 3289, G replaced by A.
Protein change: p.Glu1097Lys; replaces glutamic acid 1097 with lysine.
Molecular consequence: missense variant.
Genome position (GRCh38, 1-based): chr14:23,392,615, C>T on the plus strand (G>A on the coding strand, the complement: MYH6 is on the minus strand). VCF-style: chr14-23392615-C-T. GRCh37 (hg19) VCF-style: chr14-23861824-C-T.
Other names: c.3289G>A (NM_002471.3); short protein forms E1097K.
Identifiers: ClinVar variation 1406531 (VCV001406531.9), dbSNP rs150868324, ClinGen allele CA7115233.
Genomic context (GRCh38, chr14:23,392,615, plus strand): 5'-AAGTCACCTGGTTTTCCTTCAGTTTCTTCTGTAGTTGAAGGGCCAGCACCTGCTCATCCT[C>T]AATCTTACTGTTCTGCTGATTAATGTCAAACTCCTTCCTGCAGGAGAAGGGTGGGGGTGG-3'
Protein context (NP_002462.2, residues 1087-1107): FDINQQNSKI[Glu1097Lys]DEQVLALQLQ

ClinVar aggregate classification (germline): Uncertain significance. Review status: criteria provided, multiple submitters, no conflicts (2 of 4 stars). 2 submissions from 2 submitters: Uncertain significance (2). Last evaluated 2023-07-17.

Conditions:
Atrial septal defect 3 (ASD3). Identifiers: Orphanet 1478, MedGen C3279790, MONDO:0013567, OMIM 614089.
Hypertrophic cardiomyopathy 14. Identifiers: MedGen C2750467, MONDO:0013197, OMIM 613251.

Allele frequency attached by ClinVar (database versions not stated): gnomAD exomes below 0.00001 and 0.00001; ExAC 0.00002; TOPMed 0.00002; ESP Exome Variant Server 0.00008.
gnomAD v4.1: 5 of 1,526,314 alleles (0.00033%); highest among the groups gnomAD compares: Non-Finnish European, 0.00036%; no homozygotes.

Submissions (2):

Victorian Clinical Genetics Services, Murdoch Childrens Research Institute
Classification: Uncertain significance for Atrial septal defect 3. Last evaluated: 2023-07-17. Review status: criteria provided, single submitter. Criteria: ACMG Guidelines, 2015. Collection method: clinical testing. Allele origin: germline. Inheritance: Autosomal dominant inheritance.
Comment: Based on the classification scheme VCGS_Germline_v1.3.4, this variant is classified as VUS-3B. Following criteria are met: 0105 - The mechanism of disease for this gene is not clearly established, however gain of function has been suggested (PMID: 20656787). (I) 0107 - This gene is associated with autosomal dominant disease. (I) 0112 - The condition associated with this gene has incomplete penetrance (PMID: 22194935). (I) 0115 - Variants in this gene are known to have variable expressivity (PMID: 22194935). (I) 0200 - Variant is predicted to result in a missense amino acid change from glutamic acid to lysine. (I) 0251 - This variant is heterozygous. (I) 0302 - Variant is present in gnomAD (v2) <0.001 for a dominant condition (2 heterozygotes, 0 homozygotes). (SP) 0501 - Missense variant consistently predicted to be damaging by multiple in silico tools or highly conserved with a major amino acid change. (SP) 0600 - Variant is located in the annotated myosin tail domain (NCBI). (I) 0705 - No comparable missense variants have previous evidence for pathogenicity. (I) 0803 - This variant has limited previous evidence of pathogenicity in an unrelated individual. This variant has been reported in one proband with unexplained sudden cardiac death (PMID: 30380018). (SP) 0905 - No published segregation evidence has been identified for this variant. (I) 1007 - No published functional evidence has been identified for this variant. (I) Legend: (SP) - Supporting pathogenic, (I) - Information, (SB) - Supporting benign

Labcorp Genetics (formerly Invitae), Labcorp
Classification: Uncertain significance for Hypertrophic cardiomyopathy 14. Last evaluated: 2020-11-02. Review status: criteria provided, single submitter. Criteria: Invitae Variant Classification Sherloc (09022015). Collection method: clinical testing. Allele origin: germline.
Comment: In summary, the available evidence is currently insufficient to determine the role of this variant in disease. Therefore, it has been classified as a Variant of Uncertain Significance. Algorithms developed to predict the effect of missense changes on protein structure and function are either unavailable or do not agree on the potential impact of this missense change (SIFT: "Tolerated"; PolyPhen-2: "Possibly Damaging"; Align-GVGD: "Class C0"). This variant has not been reported in the literature in individuals with MYH6-related conditions. This variant is present in population databases (rs150868324, ExAC 0.003%). This sequence change replaces glutamic acid with lysine at codon 1097 of the MYH6 protein (p.Glu1097Lys). The glutamic acid residue is weakly conserved and there is a small physicochemical difference between glutamic acid and lysine.

Literature cited by the submitters: PubMed 20656787 (cited by Victorian Clinical Genetics Services, Murdoch Childrens Research Institute); PubMed 22194935 (cited by Victorian Clinical Genetics Services, Murdoch Childrens Research Institute); PubMed 30380018 (cited by Victorian Clinical Genetics Services, Murdoch Childrens Research Institute).